The following is an entry in ClinVar:

NM_000295.5(SERPINA1):c.120T>C (p.His40=)

Gene: SERPINA1 (serpin family A member 1; minus strand). Cytogenetic location: 14q32.13.
Variant type: single nucleotide variant.
Coding change: c.120T>C on transcript NM_000295.5 (MANE Select); coding-DNA position 120, T replaced by C.
Protein change: p.His40=; no amino-acid change (histidine 40 retained).
Molecular consequence: synonymous variant.
Genome position (GRCh38, 1-based): chr14:94,383,118, A>G on the plus strand (T>C on the coding strand, the complement: SERPINA1 is on the minus strand). VCF-style: chr14-94383118-A-G. GRCh37 (hg19) VCF-style: chr14-94849455-A-G.
Other names: c.120T>C, p.His40= (NM_001002235.3, NM_001002236.3, NM_001127700.2 and 7 more transcripts).
Identifiers: ClinVar variation 3772429 (VCV003772429.13).

ClinVar aggregate classification (germline): Likely benign (1 of 4 stars; one submission).

gnomAD v4.1: 25 of 1,614,110 alleles (0.0015%); highest among the groups gnomAD compares: African/African-American, 0.0067%; no homozygotes.

Submission:

CeGaT Center for Human Genetics Tuebingen
Classification: Likely benign. Last evaluated: 2025-02-01. Review status: criteria provided, single submitter. Criteria: CeGaT Center For Human Genetics Tuebingen Variant Classification Criteria Version 2. Collection method: clinical testing. Allele origin: germline. Affected: yes. Observed: 1 variant allele.
Comment: SERPINA1: BP4, BP7